The following is an entry in ClinVar:

ClinVar aggregate classification (germline): Pathogenic (1 of 4 stars; one submission).

Conditions:
Ataxia-telangiectasia syndrome (AT). Also called: Ataxia-telangiectasia, complementation group D; AT, COMPLEMENTATION GROUP C; Ataxia telangiectasia (A-T); Cerebello-oculocutaneous telangiectasia; Immunodeficiency with ataxia telangiectasia; Ataxia-telangiectasia. Identifiers: Orphanet 100, MedGen C0004135, MONDO:0008840, OMIM 208900.

Submission:

Labcorp Genetics (formerly Invitae), Labcorp
Classification: Pathogenic for Ataxia-telangiectasia syndrome. Last evaluated: 2019-02-14. Review status: criteria provided, single submitter. Criteria: Invitae Variant Classification Sherloc (09022015). Collection method: clinical testing. Allele origin: germline.
Comment: For these reasons, this variant has been classified as Pathogenic. Loss-of-function variants in ATM are known to be pathogenic (PMID: 23807571, 25614872). This variant has not been reported in the literature in individuals with ATM-related conditions. This variant is not present in population databases (ExAC no frequency). This sequence change creates a premature translational stop signal (p.Cys1164Leufs*2) in the ATM gene. It is expected to result in an absent or disrupted protein product.

Literature cited by the submitters: PubMed 23807571; PubMed 25614872.

NM_000051.4(ATM):c.3489dup (p.Cys1164fs)

Gene: ATM (ATM serine/threonine kinase; plus strand). Cytogenetic location: 11q22.3.
Variant type: Duplication.
Coding change: c.3489dup on transcript NM_000051.4 (MANE Select); coding-DNA position 3489, one base duplicated (C; older notation c.3489dupC).
Protein change: p.Cys1164fs; shifts the reading frame from cysteine 1164.
Molecular consequence: frameshift variant.
Genome position (GRCh38, 1-based): chr11:108,281,081, C duplicated; the last of 2 consecutive C bases (chr11:108,281,080-108,281,081); duplicating either gives the same sequence. VCF-style (leftmost placement, unchanged base first): chr11-108281079-T-TC. GRCh37 (hg19) VCF-style: chr11-108151806-T-TC.
Other names: c.3489dup, p.Cys1164fs (NM_001351834.2); short protein forms C1164fs.
Identifiers: ClinVar variation 842213 (VCV000842213.7), dbSNP rs2082208208, ClinGen allele CA916079958.